The following is an entry in ClinVar:

ClinVar aggregate classification (germline): Uncertain significance. Review status: criteria provided, multiple submitters, no conflicts (2 of 4 stars). 4 submissions from 4 submitters: Uncertain significance (3). 1 of the submissions does not count toward it. Last evaluated 2025-01-19.

Conditions:
Inborn genetic diseases. Identifiers: MedGen C0950123, MeSH D030342.
ADAM22-related disorder. Also called: ADAM22-related condition.

Allele frequency attached by ClinVar (database versions not stated): ExAC 0.00009; ESP Exome Variant Server 0.00034; TOPMed 0.00051; gnomAD 0.00057; 1000 Genomes Project 30x 0.00078; 1000 Genomes Project 0.00080.
gnomAD v4.1: 147 of 1,613,228 alleles (0.0091%); highest among the groups gnomAD compares: African/African-American, 0.19%; no homozygotes.

Submissions (4):

GeneDx
Classification: Uncertain significance. Last evaluated: 2025-01-19. Review status: criteria provided, single submitter. Criteria: GeneDx Variant Classification Process June 2021. Collection method: clinical testing. Allele origin: germline. Affected: yes.
Comment: In silico analysis supports that this missense variant has a deleterious effect on protein structure/function; Has not been previously published as pathogenic or benign to our knowledge

Ambry Genetics
Classification: Uncertain significance for Inborn genetic diseases. Last evaluated: 2021-10-26. Review status: criteria provided, single submitter. Criteria: Ambry Variant Classification Scheme 2023. Collection method: clinical testing. Allele origin: germline.

Blueprint Genetics
Classification: Uncertain significance. Last evaluated: 2020-01-28. Review status: criteria provided, single submitter. Criteria: ACMG Guidelines, 2015. Collection method: clinical testing. Allele origin: germline.

PreventionGenetics, part of Exact Sciences
Classification: Likely benign for ADAM22-related condition. Last evaluated: 2023-01-27. Review status: no assertion criteria provided. Collection method: clinical testing. Allele origin: germline. Not counted in ClinVar's aggregate classification.
Comment: This variant is classified as likely benign based on ACMG/AMP sequence variant interpretation guidelines (Richards et al. 2015 PMID: 25741868, with internal and published modifications).

NM_001324418.2(ADAM22):c.1573C>A (p.Pro525Thr)

Gene: ADAM22 (ADAM metallopeptidase domain 22; plus strand). Cytogenetic location: 7q21.12.
Variant type: single nucleotide variant.
Coding change: c.1573C>A on transcript NM_001324418.2 (MANE Select); coding-DNA position 1573, C replaced by A.
Protein change: p.Pro525Thr; replaces proline 525 with threonine.
Molecular consequence: missense variant.
Genome position (GRCh38, 1-based): chr7:88,150,987, C>A. VCF-style: chr7-88150987-C-A. GRCh37 (hg19) VCF-style: chr7-87780302-C-A.
Other names: c.1570C>A, p.Pro524Thr (NM_001324417.2, NM_001324419.2, NM_001391978.1 and 2 more transcripts); c.1573C>A, p.Pro525Thr (NM_001324420.2, NM_001324421.2, NM_001391976.1 and 6 more transcripts); c.1624C>A, p.Pro542Thr (NM_001391975.1, NM_001391980.1); c.1549C>A, p.Pro517Thr (NM_001391982.1); c.1573C>A (NM_021723.4); short protein forms P524T, P517T, P525T, P542T.
Identifiers: ClinVar variation 2386143 (VCV002386143.6), dbSNP rs199684808, ClinGen allele CA4330590.